The following is an entry in ClinVar:

ClinVar aggregate classification (germline): Uncertain significance (1 of 4 stars; one submission).

Submission:

Dasa
Classification: Uncertain significance. Last evaluated: 2025-11-23. Review status: criteria provided, single submitter. Criteria: DASA Assertion Criteria. Collection method: clinical testing. Allele origin: germline.
Comment: NM_024079.5(ALG8):c.865_876del (p.Tyr289_Leu292del) is an in-frame deletion predicted to remove amino acids from tyrosine at protein position 289 through leucine at protein position 292 without shifting the reading frame. This variant is absent from population databases. The currently available literature and clinical evidence are not sufficient to establish a definitive association between this variant and the reported condition. Therefore, this variant is classified as a variant of uncertain significance.

NM_024079.5(ALG8):c.865_876del (p.Tyr289_Leu292del)

Gene: ALG8 (ALG8 alpha-1,3-glucosyltransferase; minus strand). Cytogenetic location: 11q14.1.
Variant type: Deletion.
Coding change: c.865_876del on transcript NM_024079.5 (MANE Select); coding-DNA positions 865 to 876, 12 bases deleted (TACAATGCTTTG).
Protein change: p.Tyr289_Leu292del.
Molecular consequence: inframe deletion. On other transcripts: non-coding transcript variant (2), intron variant (2).
Genome position (GRCh38, 1-based): chr11:78,112,672-78,112,683, CAAAGCATTGTA deleted on the plus strand (TACAATGCTTTG on the coding strand, the reverse complement: ALG8 is on the minus strand); deleting any 12 consecutive bases within chr11:78,112,672-78,112,689 gives the same sequence; the c. name uses the placement nearest the transcript's 3' end. VCF-style (leftmost placement, unchanged base first): chr11-78112671-CCAAAGCATTGTA-C. GRCh37 (hg19) VCF-style: chr11-77823717-CCAAAGCATTGTA-C.
Other names: c.865_876del, p.Tyr289_Leu292del (NM_001007027.3, NM_001425221.1, NM_001425222.1 and 8 more transcripts); c.868_879del, p.Tyr290_Leu293del (NM_001425219.1); c.850_861del, p.Tyr284_Leu287del (NM_001425220.1); c.859_870del, p.Tyr287_Leu290del (NM_001425223.1); c.958_969del, p.Tyr320_Leu323del (NM_001425224.1); c.712_723del, p.Tyr238_Leu241del (NM_001425226.1, NM_001425235.1, NM_001425236.1); c.664_675del, p.Tyr222_Leu225del (NM_001425231.1); c.601_612del, p.Tyr201_Leu204del (NM_001425234.1, NM_001425239.1); and 5 more.
Identifiers: ClinVar variation 4886366 (VCV004886366.2).